The following is an entry in ClinVar:

NM_020338.4(ZMIZ1):c.2307C>A (p.Tyr769Ter)

Genes: ZMIZ1 (zinc finger MIZ-type containing 1; plus strand), LOC126860975 (CDK7 strongly-dependent group 2 enhancer GRCh37_chr10:81064163-81065362; plus strand). Cytogenetic location: 10q22.3.
Variant type: single nucleotide variant.
Coding change: c.2307C>A on transcript NM_020338.4 (MANE Select); coding-DNA position 2307, C replaced by A.
Protein change: p.Tyr769Ter; replaces tyrosine 769 with a stop codon.
Molecular consequence: nonsense.
Genome position (GRCh38, 1-based): chr10:79,305,184, C>A. VCF-style: chr10-79305184-C-A. GRCh37 (hg19) VCF-style: chr10-81064941-C-A.
Other names: short protein forms Y769*.
Identifiers: ClinVar variation 4855009 (VCV004855009.1).
Genomic context (GRCh38, chr10:79,305,184, plus strand): 5'-ACAGTCCTGGTCTCACCTGTGTCTGTCTGTCTGTCTGCAGTGCTTTGATCTGGAGTCATA[C>A]CTGCAGCTGAATTGCGAGAGAGGGACCTGGAGGTGTCCTGTGTGCAAGTGAGTGATGCCC-3'

ClinVar aggregate classification (germline): Likely pathogenic (1 of 4 stars; one submission).

Conditions:
Neurodevelopmental disorder with dysmorphic facies and distal skeletal anomalies. Identifiers: MedGen C5231448, MONDO:0032855, OMIM 618659.

Submission:

3billion
Classification: Likely pathogenic for Neurodevelopmental disorder with dysmorphic facies and distal skeletal anomalies. Last evaluated: 2025-08-06. Review status: criteria provided, single submitter. Criteria: ACMG Guidelines, 2015. Collection method: clinical testing. Allele origin: germline. Affected: yes.
Comment: The variant is not observed in the gnomAD v4.1.0 dataset. Predicted Consequence/Location: Stop-gained (nonsense): predicted to result in a loss or disruption of normal protein function through nonsense-mediated decay (NMD) or protein truncation. Multiple pathogenic variants are reported downstream of the variant. Therefore, this variant is classified as Likely pathogenic according to the recommendation of ACMG/AMP guideline.